The following is an entry in ClinVar:

ClinVar aggregate classification (germline): Uncertain significance. Review status: criteria provided, multiple submitters, no conflicts (2 of 4 stars). 2 submissions from 2 submitters: Uncertain significance (2). Last evaluated 2025-05-05.

Conditions:
Inborn genetic diseases. Identifiers: MedGen C0950123, MeSH D030342.

gnomAD v4.1: 1 of 1,614,188 alleles (0.000062%); highest among the groups gnomAD compares: Non-Finnish European, 0.000085%; no homozygotes.

Submissions (2):

Ambry Genetics
Classification: Uncertain significance for Inborn genetic diseases. Last evaluated: 2025-05-05. Review status: criteria provided, single submitter. Criteria: Ambry Variant Classification Scheme 2023. Collection method: clinical testing. Allele origin: germline.

Labcorp Genetics (formerly Invitae), Labcorp
Classification: Uncertain significance. Last evaluated: 2024-11-28. Review status: criteria provided, single submitter. Criteria: Invitae Variant Classification Sherloc (09022015). Collection method: clinical testing. Allele origin: germline.
Comment: This sequence change replaces glutamine, which is neutral and polar, with lysine, which is basic and polar, at codon 529 of the TRPV3 protein (p.Gln529Lys). This variant is not present in population databases (gnomAD no frequency). This variant has not been reported in the literature in individuals affected with TRPV3-related conditions. Invitae Evidence Modeling of protein sequence and biophysical properties (such as structural, functional, and spatial information, amino acid conservation, physicochemical variation, residue mobility, and thermodynamic stability) has been performed for this missense variant. However, the output from this modeling did not meet the statistical confidence thresholds required to predict the impact of this variant on TRPV3 protein function. In summary, the available evidence is currently insufficient to determine the role of this variant in disease. Therefore, it has been classified as a Variant of Uncertain Significance.

NM_145068.4(TRPV3):c.1585C>A (p.Gln529Lys)

Gene: TRPV3 (transient receptor potential cation channel subfamily V member 3; minus strand). Cytogenetic location: 17p13.2.
Variant type: single nucleotide variant.
Coding change: c.1585C>A on transcript NM_145068.4 (MANE Select); coding-DNA position 1585, C replaced by A.
Protein change: p.Gln529Lys; replaces glutamine 529 with lysine.
Molecular consequence: missense variant.
Genome position (GRCh38, 1-based): chr17:3,524,356, G>T on the plus strand (C>A on the coding strand, the complement: TRPV3 is on the minus strand). VCF-style: chr17-3524356-G-T. GRCh37 (hg19) VCF-style: chr17-3427650-G-T.
Other names: c.1585C>A, p.Gln529Lys (NM_001258205.2); c.1585C>A (NM_145068.2); short protein forms Q529K.
Identifiers: ClinVar variation 3698809 (VCV003698809.3).